The following is an entry in ClinVar:

NM_005462.5(MAGEC1):c.1142T>C (p.Phe381Ser)

Gene: MAGEC1 (MAGE family member C1; plus strand). Cytogenetic location: Xq27.2.
Variant type: single nucleotide variant.
Coding change: c.1142T>C on transcript NM_005462.5 (MANE Select); coding-DNA position 1142, T replaced by C.
Protein change: p.Phe381Ser; replaces phenylalanine 381 with serine.
Molecular consequence: missense variant.
Genome position (GRCh38, 1-based): chrX:141,906,546, T>C. VCF-style: chrX-141906546-T-C. GRCh37 (hg19) VCF-style: chrX-140994332-T-C.
Other names: short protein forms F381S.
Identifiers: ClinVar variation 2673262 (VCV002673262.23), dbSNP rs56755295, ClinGen allele CA10533558.

ClinVar aggregate classification (germline): Likely benign (1 of 4 stars; one submission).

Allele frequency attached by ClinVar (database versions not stated): gnomAD exomes 0.00005; ExAC 0.00013; 1000 Genomes Project 30x 0.00104.

Submission:

CeGaT Center for Human Genetics Tuebingen
Classification: Likely benign. Last evaluated: 2023-11-01. Review status: criteria provided, single submitter. Criteria: CeGaT Center For Human Genetics Tuebingen Variant Classification Criteria Version 2. Collection method: clinical testing. Allele origin: germline. Affected: yes. Observed: 1 variant allele.
Comment: MAGEC1: BP4